The following is an entry in ClinVar:

NM_001868.4(CPA1):c.389A>C (p.Asp130Ala)

Gene: CPA1 (carboxypeptidase A1; plus strand). Cytogenetic location: 7q32.2.
Variant type: single nucleotide variant.
Coding change: c.389A>C on transcript NM_001868.4 (MANE Select); coding-DNA position 389, A replaced by C.
Protein change: p.Asp130Ala; replaces aspartic acid 130 with alanine.
Molecular consequence: missense variant.
Genome position (GRCh38, 1-based): chr7:130,382,115, A>C. VCF-style: chr7-130382115-A-C. GRCh37 (hg19) VCF-style: chr7-130021956-A-C.
Other names: short protein forms D130A.
Identifiers: ClinVar variation 1388131 (VCV001388131.10), dbSNP rs782428216, ClinGen allele CA166885931.

ClinVar aggregate classification (germline): Conflicting classifications of pathogenicity. Review status: criteria provided, conflicting classifications (1 of 4 stars). 2 submissions from 2 submitters: Uncertain significance (1); Likely benign (1). Last evaluated 2025-10-07.

Conditions:
Hereditary pancreatitis (PCTT). Also called: Hereditary chronic pancreatitis; PRSS1-Related Hereditary Pancreatitis. Identifiers: Orphanet 676, MedGen C0238339, MONDO:0008185, OMIM 167800.

Allele frequency attached by ClinVar (database versions not stated): gnomAD exomes below 0.00001 and 0.00003; TOPMed 0.00002.
gnomAD v4.1: 53 of 1,613,842 alleles (0.0033%); highest among the groups gnomAD compares: Non-Finnish European, 0.0044%; no homozygotes.

Submissions (2):

Labcorp Genetics (formerly Invitae), Labcorp
Classification: Uncertain significance. Last evaluated: 2025-10-07. Review status: criteria provided, single submitter. Criteria: Invitae Variant Classification Sherloc (09022015). Collection method: clinical testing. Allele origin: germline.
Comment: This sequence change replaces aspartic acid, which is acidic and polar, with alanine, which is neutral and non-polar, at codon 130 of the CPA1 protein (p.Asp130Ala). This variant is present in population databases (rs782428216, gnomAD 0.0009%). This variant has not been reported in the literature in individuals affected with CPA1-related conditions. ClinVar contains an entry for this variant (Variation ID: 1388131). Invitae Evidence Modeling of protein sequence and biophysical properties (such as structural, functional, and spatial information, amino acid conservation, physicochemical variation, residue mobility, and thermodynamic stability) indicates that this missense variant is not expected to disrupt CPA1 protein function with a negative predictive value of 80%. In summary, the available evidence is currently insufficient to determine the role of this variant in disease. Therefore, it has been classified as a Variant of Uncertain Significance.

Ambry Genetics
Classification: Likely benign for Hereditary pancreatitis. Last evaluated: 2024-03-25. Review status: criteria provided, single submitter. Criteria: Ambry Variant Classification Scheme 2023. Collection method: clinical testing. Allele origin: germline.

Literature cited by the submitters: PubMed 23955596 (cited by Ambry Genetics).